The following is an entry in ClinVar:

ClinVar aggregate classification (germline): Benign. Review status: criteria provided, multiple submitters, no conflicts (2 of 4 stars). 3 submissions from 3 submitters: Benign (2). 1 of the submissions does not count toward it. Last evaluated 2018-08-14.

Conditions:
MUC16-related disorder. Also called: MUC16-related condition.

Allele frequency attached by ClinVar (database versions not stated): gnomAD 0.01648 and 0.01744; 1000 Genomes Project 30x 0.01843; gnomAD exomes 0.00188 and 0.00438; ESP Exome Variant Server 0.01721; ExAC 0.00532; 1000 Genomes Project 0.01757; TOPMed 0.01872.

Submissions (3):

Labcorp Genetics (formerly Invitae), Labcorp
Classification: Benign. Last evaluated: 2018-08-14. Review status: criteria provided, single submitter. Criteria: Invitae Variant Classification Sherloc (09022015). Collection method: clinical testing. Allele origin: germline.

Breakthrough Genomics
Classification: Benign. Review status: criteria provided, single submitter. Criteria: ACMG Guidelines, 2015. Collection method: not provided. Allele origin: germline. Inheritance: Unknown mechanism. Affected: yes.

PreventionGenetics, part of Exact Sciences
Classification: Benign for MUC16-related condition. Last evaluated: 2019-03-25. Review status: no assertion criteria provided. Collection method: clinical testing. Allele origin: germline. Not counted in ClinVar's aggregate classification.
Comment: This variant is classified as benign based on ACMG/AMP sequence variant interpretation guidelines (Richards et al. 2015 PMID: 25741868, with internal and published modifications).

NM_001401501.2(MUC16):c.9387G>A (p.Glu3129=)

Gene: MUC16 (mucin 16, cell surface associated; minus strand). Cytogenetic location: 19p13.2.
Variant type: single nucleotide variant.
Coding change: c.9387G>A on transcript NM_001401501.2 (MANE Select); coding-DNA position 9387, G replaced by A.
Protein change: p.Glu3129=; no amino-acid change (glutamic acid 3129 retained).
Molecular consequence: synonymous variant.
Genome position (GRCh38, 1-based): chr19:8,971,872, C>T on the plus strand (G>A on the coding strand, the complement: MUC16 is on the minus strand). VCF-style: chr19-8971872-C-T. GRCh37 (hg19) VCF-style: chr19-9082548-C-T.
Other names: c.9813G>A, p.Glu3271= (NM_001414686.1); c.9267G>A, p.Glu3089= (NM_001414687.1, NM_024690.2).
Identifiers: ClinVar variation 781405 (VCV000781405.6), dbSNP rs114452591, ClinGen allele CA9171779.
Genomic context (GRCh38, chr19:8,971,872, plus strand): 5'-TTCAGCTGTTGTTCCCTCTTCTTCTGCAATGGTCTGGCTTGAGGTTAACTCAGGAGGCTC[C>T]TCCTGGGACATATTTAGAGTGGATGTTGGAGAAAGTGTCAGAGCTGAAGTCTGAAGATGC-3'
Protein context (NP_001388430.1, residues 3119-3139): SPTSTLNMSQ[Glu3129=]EPPELTSSQT